The following is an entry in ClinVar:

NM_000085.5(CLCNKB):c.89G>A (p.Arg30Gln)

Gene: CLCNKB (chloride voltage-gated channel Kb; plus strand). Cytogenetic location: 1p36.13.
Variant type: single nucleotide variant.
Coding change: c.89G>A on transcript NM_000085.5 (MANE Select); coding-DNA position 89, G replaced by A.
Protein change: p.Arg30Gln; replaces arginine 30 with glutamine.
Molecular consequence: missense variant.
Genome position (GRCh38, 1-based): chr1:16,044,581, G>A. VCF-style: chr1-16044581-G-A. GRCh37 (hg19) VCF-style: chr1-16371076-G-A.
Other names: short protein forms R30Q.
Identifiers: ClinVar variation 3599103 (VCV003599103.3).

ClinVar aggregate classification (germline): Uncertain significance. Review status: criteria provided, multiple submitters, no conflicts (2 of 4 stars). 2 submissions from 2 submitters: Uncertain significance (2). Last evaluated 2024-06-24.

Conditions:
Bartter disease type 3. Also called: Bartter syndrome type 3. Identifiers: Orphanet 112, Orphanet 93605, MedGen C1846343, MONDO:0011822, OMIM 607364.
Bartter disease type 4B. Also called: Bartter syndrome, type 4b, digenic; BARTTER SYNDROME, TYPE 4B; BARTTER SYNDROME, TYPE 4B, NEONATAL, WITH SENSORINEURAL DEAFNESS. Identifiers: Orphanet 112, MedGen C4310805, MONDO:0000909, OMIM 613090.

gnomAD v4.1: 9 of 1,599,496 alleles (0.00056%); highest among the groups gnomAD compares: African/African-American, 0.0027%; no homozygotes.

Submissions (2):

Fulgent Genetics
Classification: Uncertain significance for Bartter disease type 3; Bartter disease type 4B. Last evaluated: 2024-06-24. Review status: criteria provided, single submitter. Criteria: ACMG Guidelines, 2015. Collection method: clinical testing. Allele origin: germline.

Labcorp Genetics (formerly Invitae), Labcorp
Classification: Uncertain significance. Last evaluated: 2024-05-13. Review status: criteria provided, single submitter. Criteria: Invitae Variant Classification Sherloc (09022015). Collection method: clinical testing. Allele origin: germline.
Comment: This sequence change replaces arginine, which is basic and polar, with glutamine, which is neutral and polar, at codon 30 of the CLCNKB protein (p.Arg30Gln). This variant is present in population databases (no rsID available, gnomAD 0.005%). This variant has not been reported in the literature in individuals affected with CLCNKB-related conditions. Advanced modeling of protein sequence and biophysical properties (such as structural, functional, and spatial information, amino acid conservation, physicochemical variation, residue mobility, and thermodynamic stability) performed at Invitae indicates that this missense variant is not expected to disrupt CLCNKB protein function with a negative predictive value of 80%. In summary, the available evidence is currently insufficient to determine the role of this variant in disease. Therefore, it has been classified as a Variant of Uncertain Significance.